The following is an entry in ClinVar:

ClinVar aggregate classification (germline): Likely pathogenic (1 of 4 stars; one submission).

Submission:

Centre of Medical Genetics, University Hospital Muenster
Classification: Likely pathogenic. Last evaluated: 2023-01-13. Review status: criteria provided, single submitter. Criteria: ACMG Guidelines, 2015. Collection method: clinical testing. Allele origin: unknown. Affected: yes. Observed: 1 variant allele, 1 heterozygote.
Comment: ACMG categories: PVS1,PM2

NM_001369268.1(ACAN):c.1733-1G>C

Gene: ACAN (aggrecan; plus strand). Cytogenetic location: 15q26.1.
Variant type: single nucleotide variant.
Coding change: c.1733-1G>C on transcript NM_001369268.1 (MANE Select); the canonical splice acceptor site of the intron before coding-DNA position 1733, G replaced by C.
Molecular consequence: splice acceptor variant.
Genome position (GRCh38, 1-based): chr15:88,849,437, G>C. VCF-style: chr15-88849437-G-C. GRCh37 (hg19) VCF-style: chr15-89392668-G-C.
Other names: c.1733-1G>C (NM_013227.4, NM_001411097.1, NM_001411096.1 and 1 more transcripts).
Identifiers: ClinVar variation 2430350 (VCV002430350.2), dbSNP rs1896876299, ClinGen allele CA393711147.